The following is an entry in ClinVar:

ClinVar aggregate classification (germline): Benign. Review status: criteria provided, multiple submitters, no conflicts (2 of 4 stars). 2 submissions from 2 submitters: Benign (2). Last evaluated 2018-01-13.

Conditions:
Epidermolysis bullosa simplex due to plakophilin deficiency. Also called: MCGRATH SYNDROME. Identifiers: Orphanet 158668, MedGen C1858302, MONDO:0011472, OMIM 604536.

Allele frequency attached by ClinVar (database versions not stated): gnomAD exomes 0.05963; TOPMed 0.16608; gnomAD 0.16823; 1000 Genomes Project 0.18251; 1000 Genomes Project 30x 0.18473.
gnomAD v4.1: 25,114 of 152,438 alleles (16%); highest among the groups gnomAD compares: African/African-American, 33%; 2,929 homozygotes.

Submissions (2):

Illumina Laboratory Services, Illumina
Classification: Benign for Epidermolysis bullosa simplex due to plakophilin deficiency. Last evaluated: 2018-01-13. Review status: criteria provided, single submitter. Criteria: ICSL Variant Classification Criteria 13 December 2019. Collection method: clinical testing. Allele origin: germline.
Comment: This variant was observed in the ICSL laboratory as part of a predisposition screen in an ostensibly healthy population. It had not been previously curated by ICSL or reported in the Human Gene Mutation Database (HGMD: prior to June 1st, 2018), and was therefore a candidate for classification through an automated scoring system. Utilizing variant allele frequency, disease prevalence and penetrance estimates, and inheritance mode, an automated score was calculated to assess if this variant is too frequent to cause the disease. Based on the score and internal cut-off values, a variant classified as benign is not then subjected to further curation. The score for this variant resulted in a classification of benign for this disease.

Breakthrough Genomics
Classification: Benign. Review status: criteria provided, single submitter. Criteria: ACMG Guidelines, 2015. Collection method: not provided. Allele origin: germline. Inheritance: Autosomal recessive inheritance. Affected: yes.

NM_001005337.3(PKP1):c.*1942A>C

Gene: PKP1 (plakophilin 1; plus strand). Cytogenetic location: 1q32.1.
Variant type: single nucleotide variant.
Coding change: c.*1942A>C on transcript NM_001005337.3 (MANE Select); 1942 bases downstream of the stop codon, A replaced by C.
Molecular consequence: 3 prime UTR variant.
Genome position (GRCh38, 1-based): chr1:201,331,983, A>C. VCF-style: chr1-201331983-A-C. GRCh37 (hg19) VCF-style: chr1-201301111-A-C.
Other names: c.*1942A>C (NM_000299.4).
Identifiers: ClinVar variation 294876 (VCV000294876.6), dbSNP rs12120834, ClinGen allele CA10609403.